The following is an entry in ClinVar:

NM_000368.5(TSC1):c.1514C>G (p.Ser505Cys)

Gene: TSC1 (TSC complex subunit 1; minus strand). Cytogenetic location: 9q34.13.
Variant type: single nucleotide variant.
Coding change: c.1514C>G on transcript NM_000368.5 (MANE Select); coding-DNA position 1514, C replaced by G.
Protein change: p.Ser505Cys; replaces serine 505 with cysteine.
Molecular consequence: missense variant.
Genome position (GRCh38, 1-based): chr9:132,906,064, G>C on the plus strand (C>G on the coding strand, the complement: TSC1 is on the minus strand). VCF-style: chr9-132906064-G-C. GRCh37 (hg19) VCF-style: chr9-135781451-G-C.
Other names: c.1511C>G, p.Ser504Cys (NM_001162426.2); c.1361C>G, p.Ser454Cys (NM_001162427.2); c.1151C>G, p.Ser384Cys (NM_001362177.2); c.1514C>G (NM_000368.4); short protein forms S454C, S384C, S504C, S505C.
Identifiers: ClinVar variation 1462486 (VCV001462486.7), dbSNP rs2131845783, ClinGen allele CA375365299.

ClinVar aggregate classification (germline): Uncertain significance. Review status: criteria provided, multiple submitters, no conflicts (2 of 4 stars). 2 submissions from 2 submitters: Uncertain significance (2). Last evaluated 2026-07-07.

Conditions:
Tuberous sclerosis 1 (TSC1). Identifiers: Orphanet 805, MedGen C1854465, MONDO:0008612, OMIM 191100.
Hereditary cancer-predisposing syndrome. Also called: Hereditary Cancer Syndrome; Tumor predisposition; Neoplastic Syndromes, Hereditary; Hereditary neoplastic syndrome. Identifiers: Orphanet 140162, MedGen C0027672, MeSH D009386, MONDO:0015356.

Submissions (2):

Ambry Genetics
Classification: Uncertain significance for Hereditary cancer-predisposing syndrome. Last evaluated: 2026-07-07. Review status: criteria provided, single submitter. Criteria: Ambry Variant Classification Scheme 2023. Collection method: clinical testing. Allele origin: germline.
Comment: The p.S505C variant (also known as c.1514C>G), located in coding exon 13 of the TSC1 gene, results from a C to G substitution at nucleotide position 1514. The serine at codon 505 is replaced by cysteine, an amino acid with dissimilar properties. This amino acid position is conserved. In addition, this alteration is predicted to be deleterious by in silico analysis. Based on the available evidence, the clinical significance of this variant remains unclear.

Labcorp Genetics (formerly Invitae), Labcorp
Classification: Uncertain significance for Tuberous sclerosis 1. Last evaluated: 2021-10-15. Review status: criteria provided, single submitter. Criteria: Invitae Variant Classification Sherloc (09022015). Collection method: clinical testing. Allele origin: germline.
Comment: In summary, the available evidence is currently insufficient to determine the role of this variant in disease. Therefore, it has been classified as a Variant of Uncertain Significance. This sequence change replaces serine with cysteine at codon 505 of the TSC1 protein (p.Ser505Cys). The serine residue is moderately conserved and there is a moderate physicochemical difference between serine and cysteine. This variant is not present in population databases (ExAC no frequency). This variant has not been reported in the literature in individuals affected with TSC1-related conditions. Algorithms developed to predict the effect of missense changes on protein structure and function are either unavailable or do not agree on the potential impact of this missense change (SIFT: "Tolerated"; PolyPhen-2: "Probably Damaging"; Align-GVGD: "Class C0").